The following is an entry in ClinVar:

NM_003924.4(PHOX2B):c.811_847del (p.Gln271fs)

Gene: PHOX2B (paired like homeobox 2B; minus strand). Cytogenetic location: 4p13.
Variant type: Deletion.
Coding change: c.811_847del on transcript NM_003924.4 (MANE Select); coding-DNA positions 811 to 847, 37 bases deleted.
Protein change: p.Gln271fs; shifts the reading frame from glutamine 271.
Molecular consequence: frameshift variant.
Genome position (GRCh38, 1-based): chr4:41,745,905-41,745,941, 37 bases deleted; deleting any 37 consecutive bases within chr4:41,745,905-41,745,942 gives the same sequence; the c. name uses the placement nearest the transcript's 3' end. GRCh37 (hg19): chr4:41,747,923-41,747,959.
Other names: c.811_847del37 (NM_003924.3); short protein forms Q271fs.
Identifiers: ClinVar variation 1019912 (VCV001019912.7), dbSNP rs1733869585, ClinGen allele CA2497074301.

ClinVar aggregate classification (germline): Uncertain significance. Review status: criteria provided, multiple submitters, no conflicts (2 of 4 stars). 2 submissions from 2 submitters: Uncertain significance (2). Last evaluated 2024-05-28.

Conditions:
Hereditary cancer-predisposing syndrome. Also called: Tumor predisposition; Neoplastic Syndromes, Hereditary; Hereditary neoplastic syndrome; Hereditary Cancer Syndrome. Identifiers: Orphanet 140162, MedGen C0027672, MeSH D009386, MONDO:0015356.
Haddad syndrome (OHD). Also called: Ondine-Hirschsprung disease. Identifiers: Orphanet 99803, MedGen C1859049, MONDO:0020493.

Submissions (2):

Ambry Genetics
Classification: Uncertain significance for Hereditary cancer-predisposing syndrome. Last evaluated: 2024-05-28. Review status: criteria provided, single submitter. Criteria: Ambry Variant Classification Scheme 2023. Collection method: clinical testing. Allele origin: germline.
Comment: The c.811_847del37 variant, located in coding exon 3 of the PHOX2B gene, results from a deletion of 37 nucleotides at nucleotide positions 811 to 847, causing a translational frameshift with a predicted alternate stop codon (p.Q271Sfs*26). This alteration occurs at the 3' terminus of thePHOX2B gene, is not expected to trigger nonsense-mediated mRNAdecay, and only impacts the last 44 amino acids of the protein. The exact functional effect of this alteration is unknown. Based on the available evidence, the clinical significance of this variant remains unclear.

Labcorp Genetics (formerly Invitae), Labcorp
Classification: Uncertain significance for Haddad syndrome. Last evaluated: 2023-10-10. Review status: criteria provided, single submitter. Criteria: Invitae Variant Classification Sherloc (09022015). Collection method: clinical testing. Allele origin: germline.
Comment: This sequence change creates a premature translational stop signal (p.Gln271Serfs*26) in the PHOX2B gene. While this is not anticipated to result in nonsense mediated decay, it is expected to disrupt the last 44 amino acid(s) of the PHOX2B protein. This variant is not present in population databases (gnomAD no frequency). This variant has not been reported in the literature in individuals affected with PHOX2B-related conditions. ClinVar contains an entry for this variant (Variation ID: 1019912). Experimental studies and prediction algorithms are not available or were not evaluated, and the functional significance of this variant is currently unknown. In summary, the available evidence is currently insufficient to determine the role of this variant in disease. Therefore, it has been classified as a Variant of Uncertain Significance.